The following is an entry in ClinVar:

ClinVar aggregate classification (germline): Uncertain significance. Review status: criteria provided, multiple submitters, no conflicts (2 of 4 stars). 3 submissions from 3 submitters: Uncertain significance (3). Last evaluated 2025-10-23.

Conditions:
Aicardi-Goutieres syndrome 3. Identifiers: Orphanet 51, MedGen C1835916, MONDO:0012471, OMIM 610329.
Inborn genetic diseases. Identifiers: MedGen C0950123, MeSH D030342.

Allele frequency attached by ClinVar (database versions not stated): ExAC 0.00003; TOPMed 0.00003; gnomAD 0.00004.
gnomAD v4.1: 99 of 1,613,664 alleles (0.0061%); highest among the groups gnomAD compares: Non-Finnish European, 0.0079%; no homozygotes.

Submissions (3):

Ambry Genetics
Classification: Uncertain significance for Inborn genetic diseases. Last evaluated: 2025-10-23. Review status: criteria provided, single submitter. Criteria: Ambry Variant Classification Scheme 2023. Collection method: clinical testing. Allele origin: germline.

Labcorp Genetics (formerly Invitae), Labcorp
Classification: Uncertain significance for Aicardi-Goutieres syndrome 3. Last evaluated: 2022-03-20. Review status: criteria provided, single submitter. Criteria: Invitae Variant Classification Sherloc (09022015). Collection method: clinical testing. Allele origin: germline.
Comment: This sequence change replaces leucine, which is neutral and non-polar, with isoleucine, which is neutral and non-polar, at codon 59 of the RNASEH2C protein (p.Leu59Ile). This variant is present in population databases (rs764887792, gnomAD 0.005%). This variant has not been reported in the literature in individuals affected with RNASEH2C-related conditions. ClinVar contains an entry for this variant (Variation ID: 636423). Algorithms developed to predict the effect of missense changes on protein structure and function are either unavailable or do not agree on the potential impact of this missense change (SIFT: "Tolerated"; PolyPhen-2: "Probably Damaging"; Align-GVGD: "Class C0"). In summary, the available evidence is currently insufficient to determine the role of this variant in disease. Therefore, it has been classified as a Variant of Uncertain Significance.

Blueprint Genetics
Classification: Uncertain significance. Last evaluated: 2020-03-02. Review status: criteria provided, single submitter. Criteria: ACMG Guidelines, 2015. Collection method: clinical testing. Allele origin: germline.

NM_032193.4(RNASEH2C):c.175C>A (p.Leu59Ile)

Gene: RNASEH2C (ribonuclease H2 subunit C; minus strand). Cytogenetic location: 11q13.1.
Variant type: single nucleotide variant.
Coding change: c.175C>A on transcript NM_032193.4 (MANE Select); coding-DNA position 175, C replaced by A.
Protein change: p.Leu59Ile; replaces leucine 59 with isoleucine.
Molecular consequence: missense variant.
Genome position (GRCh38, 1-based): chr11:65,720,415, G>T on the plus strand (C>A on the coding strand, the complement: RNASEH2C is on the minus strand). VCF-style: chr11-65720415-G-T. GRCh37 (hg19) VCF-style: chr11-65487886-G-T.
Other names: short protein forms L59I.
Identifiers: ClinVar variation 636423 (VCV000636423.8), dbSNP rs764887792, ClinGen allele CA6107777.
Genomic context (GRCh38, chr11:65,720,415, plus strand): 5'-GGCCAGGCGGCACCGCCACCTCCTCTCCCCGTAGACAGCGGCCCCGAAACGACACTTCGA[G>T]TCCTGGAGCGGGAGGCGCAAAGGGCCTCAGGCAGGACCCACGCTGGGTCGAGCCCGGAGC-3'
Protein context (NP_115569.2, residues 49-69): TPAIRQGPEG[Leu59Ile]EVSFRGRCLR